The following is an entry in ClinVar:

NM_001191061.2(SLC25A22):c.316G>A (p.Glu106Lys)

Gene: SLC25A22 (solute carrier family 25 member 22; minus strand). Cytogenetic location: 11p15.5.
Variant type: single nucleotide variant.
Coding change: c.316G>A on transcript NM_001191061.2 (MANE Select); coding-DNA position 316, G replaced by A.
Protein change: p.Glu106Lys; replaces glutamic acid 106 with lysine.
Molecular consequence: missense variant.
Genome position (GRCh38, 1-based): chr11:792,966, C>T on the plus strand (G>A on the coding strand, the complement: SLC25A22 is on the minus strand). VCF-style: chr11-792966-C-T. GRCh37 (hg19) VCF-style: chr11-792966-C-T.
Other names: c.316G>A, p.Glu106Lys (NM_001191060.2, NM_024698.6); short protein forms E106K.
Identifiers: ClinVar variation 2614538 (VCV002614538.3), dbSNP rs1162879084, ClinGen allele CA378971245.
Genomic context (GRCh38, chr11:792,966, plus strand): 5'-TCTCCATGGGCGTGGTCACGATCACCTGGCAGGTGCCAGCCCCACAGCCCGCCAGCATCT[C>T]TTTAAGCAGGGTCAGCTTCTGCCTGTGGTAGGGGCGGGGCCGCAGTAAGTGGGAAGAGAC-3'
Protein context (NP_001177990.1, residues 96-116): KDGQKLTLLK[Glu106Lys]MLAGCGAGTC

ClinVar aggregate classification (germline): Uncertain significance. Review status: criteria provided, multiple submitters, no conflicts (2 of 4 stars). 2 submissions from 2 submitters: Uncertain significance (2). Last evaluated 2023-07-26.

Conditions:
Inborn genetic diseases. Identifiers: MedGen C0950123, MeSH D030342.

Submissions (2):

Ambry Genetics
Classification: Uncertain significance for Inborn genetic diseases. Last evaluated: 2023-07-26. Review status: criteria provided, single submitter. Criteria: Ambry Variant Classification Scheme 2023. Collection method: clinical testing. Allele origin: germline.

GeneDx
Classification: Uncertain significance. Last evaluated: 2023-06-05. Review status: criteria provided, single submitter. Criteria: GeneDx Variant Classification Process June 2021. Collection method: clinical testing. Allele origin: germline. Affected: yes.
Comment: Not observed at significant frequency in large population cohorts (gnomAD); In silico analysis supports that this missense variant has a deleterious effect on protein structure/function; Has not been previously published as pathogenic or benign to our knowledge